The following is an entry in ClinVar:

ClinVar aggregate classification (germline): Likely benign (1 of 4 stars; one submission).

gnomAD v4.1: 3 of 1,613,256 alleles (0.00019%); highest among the groups gnomAD compares: African/African-American, 0.0027%; no homozygotes.

Submission:

Mayo Clinic Laboratories, Mayo Clinic
Classification: Likely benign. Last evaluated: 2025-06-18. Review status: criteria provided, single submitter. Criteria: ACMG Guidelines, 2015. Collection method: clinical testing. Allele origin: germline. Observed: 1 variant allele.
Comment: BP4, BP7, PM2_supporting

NM_020247.5(COQ8A):c.1659+8G>A

Gene: COQ8A (coenzyme Q8A; plus strand). Cytogenetic location: 1q42.13.
Variant type: single nucleotide variant.
Coding change: c.1659+8G>A on transcript NM_020247.5 (MANE Select); 8 bases into the intron after coding-DNA position 1659, G replaced by A.
Molecular consequence: intron variant.
Genome position (GRCh38, 1-based): chr1:226,985,348, G>A. VCF-style: chr1-226985348-G-A. GRCh37 (hg19) VCF-style: chr1-227173049-G-A.
Other names: p.?.
Identifiers: ClinVar variation 4684229 (VCV004684229.1).